The following is an entry in ClinVar:

ClinVar aggregate classification (germline): Uncertain significance. Review status: criteria provided, multiple submitters, no conflicts (2 of 4 stars). 3 submissions from 3 submitters: Uncertain significance (3). Last evaluated 2025-12-13.

Conditions:
Hereditary cancer-predisposing syndrome. Also called: Tumor predisposition; Neoplastic Syndromes, Hereditary; Hereditary neoplastic syndrome; Hereditary Cancer Syndrome. Identifiers: Orphanet 140162, MedGen C0027672, MeSH D009386, MONDO:0015356.
Colorectal cancer. Also called: Colorectal cancer, somatic; Malignant Colorectal Neoplasm. Identifiers: MedGen C0346629, MONDO:0005575, OMIM 114500.
Oligodontia-cancer predisposition syndrome. Also called: TOOTH AGENESIS-COLORECTAL CANCER SYNDROME. Identifiers: Orphanet 300576, MedGen C1837750, MONDO:0012075, OMIM 608615. Disease mechanism: loss of function.

Allele frequency attached by ClinVar (database versions not stated): gnomAD exomes below 0.00001.

Submissions (3):

Labcorp Genetics (formerly Invitae), Labcorp
Classification: Uncertain significance for Oligodontia-cancer predisposition syndrome. Last evaluated: 2025-12-13. Review status: criteria provided, single submitter. Criteria: Invitae Variant Classification Sherloc (09022015). Collection method: clinical testing. Allele origin: germline.
Comment: This sequence change replaces methionine, which is neutral and non-polar, with lysine, which is basic and polar, at codon 5 of the AXIN2 protein (p.Met5Lys). This variant is present in population databases (no rsID available, gnomAD 0.003%). This variant has not been reported in the literature in individuals affected with AXIN2-related conditions. ClinVar contains an entry for this variant (Variation ID: 1018074). An algorithm developed to predict the effect of missense changes on protein structure and function (PolyPhen-2) suggests that this variant is likely to be tolerated. In summary, the available evidence is currently insufficient to determine the role of this variant in disease. Therefore, it has been classified as a Variant of Uncertain Significance.

Ambry Genetics
Classification: Uncertain significance for Hereditary cancer-predisposing syndrome. Last evaluated: 2025-04-25. Review status: criteria provided, single submitter. Criteria: Ambry Variant Classification Scheme 2023. Collection method: clinical testing. Allele origin: germline.
Comment: The p.M5K variant (also known as c.14T>A), located in coding exon 1 of the AXIN2 gene, results from a T to A substitution at nucleotide position 14. The methionine at codon 5 is replaced by lysine, an amino acid with similar properties. This amino acid position is poorly conserved in available vertebrate species. In addition, this alteration is predicted to be tolerated by in silico analysis. Since supporting evidence is limited at this time, the clinical significance of this alteration remains unclear.

Baylor Genetics
Classification: Uncertain significance for Colorectal cancer. Last evaluated: 2023-05-08. Review status: criteria provided, single submitter. Criteria: ACMG Guidelines, 2015. Collection method: clinical testing. Allele origin: unknown.

NM_004655.4(AXIN2):c.14T>A (p.Met5Lys)

Gene: AXIN2 (axin 2; minus strand). Cytogenetic location: 17q24.1.
Variant type: single nucleotide variant.
Coding change: c.14T>A on transcript NM_004655.4 (MANE Select); coding-DNA position 14, T replaced by A.
Protein change: p.Met5Lys; replaces methionine 5 with lysine.
Molecular consequence: missense variant.
Genome position (GRCh38, 1-based): chr17:65,558,607, A>T on the plus strand (T>A on the coding strand, the complement: AXIN2 is on the minus strand). VCF-style: chr17-65558607-A-T. GRCh37 (hg19) VCF-style: chr17-63554725-A-T.
Other names: c.14T>A, p.Met5Lys (NM_001363813.1); short protein forms M5K.
Identifiers: ClinVar variation 1018074 (VCV001018074.13), dbSNP rs730881397, ClinGen allele CA400682492.